The following is an entry in ClinVar:

ClinVar aggregate classification (germline): Conflicting classifications of pathogenicity. Review status: criteria provided, conflicting classifications (1 of 4 stars). 7 submissions from 7 submitters: Uncertain significance (5); Likely benign (1). 1 of the submissions does not count toward it. Last evaluated 2025-01-29.

Conditions:
Bloom syndrome (BLM). Also called: Bloom-Torre-Machacek syndrome. Identifiers: Orphanet 125, MedGen C0005859, MONDO:0008876, OMIM 210900.
Hereditary cancer-predisposing syndrome. Also called: Tumor predisposition; Hereditary neoplastic syndrome; Hereditary Cancer Syndrome; Neoplastic Syndromes, Hereditary. Identifiers: Orphanet 140162, MedGen C0027672, MeSH D009386, MONDO:0015356.

Allele frequency attached by ClinVar (database versions not stated): TOPMed 0.00001.
gnomAD v4.1: 18 of 1,612,964 alleles (0.0011%); highest among the groups gnomAD compares: South Asian, 0.011%; no homozygotes.

Submissions (7):

Labcorp Genetics (formerly Invitae), Labcorp
Classification: Uncertain significance for Bloom syndrome. Last evaluated: 2025-01-29. Review status: criteria provided, single submitter. Criteria: Invitae Variant Classification Sherloc (09022015). Collection method: clinical testing. Allele origin: germline.
Comment: This sequence change replaces tyrosine, which is neutral and polar, with phenylalanine, which is neutral and non-polar, at codon 296 of the BLM protein (p.Tyr296Phe). This variant is present in population databases (rs775005766, gnomAD 0.006%). This variant has not been reported in the literature in individuals affected with BLM-related conditions. ClinVar contains an entry for this variant (Variation ID: 575327). Invitae Evidence Modeling of protein sequence and biophysical properties (such as structural, functional, and spatial information, amino acid conservation, physicochemical variation, residue mobility, and thermodynamic stability) indicates that this missense variant is not expected to disrupt BLM protein function with a negative predictive value of 80%. In summary, the available evidence is currently insufficient to determine the role of this variant in disease. Therefore, it has been classified as a Variant of Uncertain Significance.

Ambry Genetics
Classification: Likely benign for Hereditary cancer-predisposing syndrome. Last evaluated: 2024-07-12. Review status: criteria provided, single submitter. Criteria: Ambry Variant Classification Scheme 2023. Collection method: clinical testing. Allele origin: germline.

Quest Diagnostics Nichols Institute San Juan Capistrano
Classification: Uncertain significance. Last evaluated: 2024-06-10. Review status: criteria provided, single submitter. Criteria: Quest Diagnostics criteria. Collection method: clinical testing. Allele origin: unknown.
Comment: The BLM c.887A>T (p.Tyr296Phe) variant has been reported in the published literature in an individual with a personal or family history of breast/ovarian cancer (PMID: 31159747 (2019)). The frequency of this variant in the general population, 0.000024 (6/251272 chromosomes (Genome Aggregation Database)), is uninformative in the assessment of its pathogenicity. Analysis of this variant using bioinformatics tools for the prediction of the effect of amino acid changes on protein structure and function yielded predictions that this variant is benign. Based on the available information, we are unable to determine the clinical significance of this variant.

Fulgent Genetics
Classification: Uncertain significance for Bloom syndrome. Last evaluated: 2024-05-30. Review status: criteria provided, single submitter. Criteria: ACMG Guidelines, 2015. Collection method: clinical testing. Allele origin: germline.

Women's Health and Genetics/Laboratory Corporation of America, LabCorp
Classification: Uncertain significance. Last evaluated: 2024-05-20. Review status: criteria provided, single submitter. Criteria: LabCorp Variant Classification Summary - May 2015. Collection method: clinical testing. Allele origin: germline.
Comment: Variant summary: BLM c.887A>T (p.Tyr296Phe) results in a conservative amino acid change located in the RecQ-like DNA helicase BLM, N-terminal domain (IPR032437) of the encoded protein sequence. Five of five in-silico tools predict a benign effect of the variant on protein function. The variant allele was found at a frequency of 2.4e-05 in 251272 control chromosomes. The available data on variant occurrences in the general population are insufficient to allow any conclusion about variant significance. c.887A>T has been reported in the literature in at least one individual with suspected personal or family history of hereditary cancer predisposition without evidence for causality (e.g. Tsaousis_2019). This report does not provide unequivocal conclusions about association of the variant with Bloom Syndrome. To our knowledge, no experimental evidence demonstrating an impact on protein function has been reported. The following publication has been ascertained in the context of this evaluation (PMID: 31159747). ClinVar contains an entry for this variant (Variation ID: 575327). Based on the evidence outlined above, the variant was classified as uncertain significance.

GeneKor MSA
Classification: Uncertain significance for Hereditary cancer-predisposing syndrome. Last evaluated: 2018-08-01. Review status: criteria provided, single submitter. Criteria: ACMG Guidelines, 2015. Collection method: clinical testing. Allele origin: germline. Affected: yes.

Natera, Inc.
Classification: Uncertain significance for Bloom syndrome. Last evaluated: 2020-09-16. Review status: no assertion criteria provided. Collection method: clinical testing. Allele origin: germline. Not counted in ClinVar's aggregate classification.

Literature cited by the submitters: PubMed 31159747 (cited by 3 submitters).

NM_000057.4(BLM):c.887A>T (p.Tyr296Phe)

Gene: BLM (BLM RecQ like helicase; plus strand). Cytogenetic location: 15q26.1.
Variant type: single nucleotide variant.
Coding change: c.887A>T on transcript NM_000057.4 (MANE Select); coding-DNA position 887, A replaced by T.
Protein change: p.Tyr296Phe; replaces tyrosine 296 with phenylalanine.
Molecular consequence: missense variant. On other transcripts: 5 prime UTR variant (1).
Genome position (GRCh38, 1-based): chr15:90,751,874, A>T. VCF-style: chr15-90751874-A-T. GRCh37 (hg19) VCF-style: chr15-91295104-A-T.
Other names: c.887A>T, p.Tyr296Phe (NM_001287246.2, NM_001287247.2); c.-405A>T (NM_001287248.2); short protein forms Y296F.
Identifiers: ClinVar variation 575327 (VCV000575327.14), dbSNP rs775005766, ClinGen allele CA7738383.